The following is an entry in ClinVar:

ClinVar aggregate classification (germline): Uncertain significance (1 of 4 stars; one submission).

gnomAD v4.1: 1 of 1,457,752 alleles (0.000069%); highest among the groups gnomAD compares: Non-Finnish European, 0.00009%; no homozygotes.

Submission:

Ambry Genetics
Classification: Uncertain significance. Last evaluated: 2025-01-09. Review status: criteria provided, single submitter. Criteria: Ambry Variant Classification Scheme 2023. Collection method: clinical testing. Allele origin: germline.
Comment: The p.G176D variant (also known as c.527G>A), located in coding exon 3 of the GFI1 gene, results from a G to A substitution at nucleotide position 527. The glycine at codon 176 is replaced by aspartic acid, an amino acid with similar properties. This amino acid position is conserved. In addition, this alteration is predicted to be tolerated by in silico analysis. Based on the available evidence, the clinical significance of this variant remains unclear.

NM_005263.5(GFI1):c.527G>A (p.Gly176Asp)

Gene: GFI1 (growth factor independent 1 transcriptional repressor; minus strand). Cytogenetic location: 1p22.1.
Variant type: single nucleotide variant.
Coding change: c.527G>A on transcript NM_005263.5 (MANE Select); coding-DNA position 527, G replaced by A.
Protein change: p.Gly176Asp; replaces glycine 176 with aspartic acid.
Molecular consequence: missense variant.
Genome position (GRCh38, 1-based): chr1:92,480,860, C>T on the plus strand (G>A on the coding strand, the complement: GFI1 is on the minus strand). VCF-style: chr1-92480860-C-T. GRCh37 (hg19) VCF-style: chr1-92946417-C-T.
Other names: c.527G>A, p.Gly176Asp (NM_001127215.3, NM_001127216.3); short protein forms G176D.
Identifiers: ClinVar variation 3853677 (VCV003853677.1).